The following is an entry in ClinVar:

ClinVar aggregate classification (germline): Uncertain significance (1 of 4 stars; one submission).

Submission:

Labcorp Genetics (formerly Invitae), Labcorp
Classification: Uncertain significance. Last evaluated: 2025-06-22. Review status: criteria provided, single submitter. Criteria: Invitae Variant Classification Sherloc (09022015). Collection method: clinical testing. Allele origin: germline.
Comment: This variant, c.348_359del, results in the deletion of 4 amino acid(s) of the RBM10 protein (p.Glu116_Glu119del), but otherwise preserves the integrity of the reading frame. This variant is not present in population databases (gnomAD no frequency). This variant has not been reported in the literature in individuals affected with RBM10-related conditions. Experimental studies and prediction algorithms are not available or were not evaluated, and the functional significance of this variant is currently unknown. In summary, the available evidence is currently insufficient to determine the role of this variant in disease. Therefore, it has been classified as a Variant of Uncertain Significance.

NM_005676.5(RBM10):c.336GGA[4] (p.Glu116_Glu119del)

Gene: RBM10 (RNA binding motif protein 10; plus strand). Cytogenetic location: Xp11.3.
Variant type: Microsatellite.
Coding change: c.336GGA[4] on transcript NM_005676.5 (MANE Select); four copies in a row of the 3-base unit GGA starting at c.336; the reference has eight copies in a row; four copies, 12 bases deleted.
Protein change: p.Glu116_Glu119del.
Molecular consequence: intron variant (on NM_001440862.1).
Genome position (GRCh38, 1-based): chrX:47,171,174-47,171,185, GGAGGAGGAGGA deleted; deleting any 12 consecutive bases within chrX:47,171,162-47,171,185 gives the same sequence; the position shown is the placement nearest the transcript's 3' end. VCF-style (leftmost placement, unchanged base first): chrX-47171161-GGGAGGAGGAGGA-G. GRCh37 (hg19) VCF-style: chrX-47030560-GGGAGGAGGAGGA-G.
Other names: c.336GGA[4], p.Glu116_Glu119del (NM_001204467.2); c.531GGA[4], p.Glu181_Glu184del (NM_001204468.2, NM_001440861.1); c.396+1664GGA[4] (NM_001440862.1, NM_001440863.1); c.201+1664GGA[4] (NM_001204466.2, NM_152856.3).
Identifiers: ClinVar variation 4808226 (VCV004808226.1).